The following is an entry in ClinVar:

ClinVar aggregate classification (germline): Benign/Likely benign. Review status: criteria provided, multiple submitters, no conflicts (2 of 4 stars). 3 submissions from 3 submitters: Benign (2); Likely benign (1). Last evaluated 2026-01-01.

Allele frequency attached by ClinVar (database versions not stated): 1000 Genomes Project 0.00260; 1000 Genomes Project 30x 0.00281; gnomAD 0.00523; ESP Exome Variant Server 0.00669; TOPMed 0.00683.
gnomAD v4.1: 11,608 of 1,613,592 alleles (0.72%); highest among the groups gnomAD compares: Middle Eastern, 2.8%; 65 homozygotes.

Submissions (3):

CeGaT Center for Human Genetics Tuebingen
Classification: Likely benign. Last evaluated: 2026-01-01. Review status: criteria provided, single submitter. Criteria: CeGaT Center For Human Genetics Tuebingen Variant Classification Criteria Version 2. Collection method: clinical testing. Allele origin: germline. Affected: yes. Observed: 4 variant alleles.
Comment: ADAMTSL1: BP4, BS2

Labcorp Genetics (formerly Invitae), Labcorp
Classification: Benign. Last evaluated: 2019-12-31. Review status: criteria provided, single submitter. Criteria: Invitae Variant Classification Sherloc (09022015). Collection method: clinical testing. Allele origin: germline.

Breakthrough Genomics
Classification: Benign. Review status: criteria provided, single submitter. Criteria: ACMG Guidelines, 2015. Collection method: not provided. Allele origin: germline. Inheritance: Unknown mechanism. Affected: yes.

NM_001040272.6(ADAMTSL1):c.5019C>T (p.Ser1673=)

Gene: ADAMTSL1 (ADAMTS like 1; plus strand). Cytogenetic location: 9p22.1.
Variant type: single nucleotide variant.
Coding change: c.5019C>T on transcript NM_001040272.6 (MANE Select); coding-DNA position 5019, C replaced by T.
Protein change: p.Ser1673=; no amino-acid change (serine 1673 retained).
Molecular consequence: synonymous variant.
Genome position (GRCh38, 1-based): chr9:18,906,749, C>T. VCF-style: chr9-18906749-C-T. GRCh37 (hg19) VCF-style: chr9-18906747-C-T.
Identifiers: ClinVar variation 773407 (VCV000773407.29), dbSNP rs147953826, ClinGen allele CA5000301.